The following is an entry in ClinVar:

NM_007294.4(BRCA1):c.5333-6T>G

Gene: BRCA1 (BRCA1 DNA repair associated; minus strand). Cytogenetic location: 17q21.31.
Variant type: single nucleotide variant.
Coding change: c.5333-6T>G on transcript NM_007294.4 (MANE Select); 6 bases into the intron before coding-DNA position 5333, T replaced by G.
Molecular consequence: intron variant.
Genome position (GRCh38, 1-based): chr17:43,049,200, A>C on the plus strand (T>G on the coding strand, the complement: BRCA1 is on the minus strand). VCF-style: chr17-43049200-A-C. GRCh37 (hg19) VCF-style: chr17-41201217-A-C.
Other names: p.?; c.5393-6T>G (NM_001407591.1, NM_001407590.1); c.1898-6T>G (NM_001408441.1, NM_001408437.1, NM_001408442.1 and 10 more transcripts); c.1901-6T>G (NM_001408429.1, NM_001408426.1, NM_001408430.1 and 4 more transcripts); c.5204-6T>G (NM_001407683.1, NM_001407686.1, NM_001407685.1 and 5 more transcripts); c.5207-6T>G (NM_001407674.1, NM_001407677.1, NM_001407671.1 and 8 more transcripts); c.5207-1497T>G (NM_001407939.1, NM_001407940.1); c.5155-1497T>G (NM_001407919.1); and 85 more.
Identifiers: ClinVar variation 55538 (VCV000055538.54), dbSNP rs397509266, ClinGen allele CA003501.
Genomic context (GRCh38, chr17:43,049,200, plus strand): 5'-GAAAGCTCCTTCACCACAGAAGCACCACACAGCTGTACCATCCATTCCAGTTGATCTAAA[A>C]TGGACATTTAGATGTAAAATCACTGCAGTAATCTGCATACTTAACCCAGGCCCTCTACCC-3'

ClinVar aggregate classification (germline): Pathogenic. Review status: reviewed by expert panel (3 of 4 stars). 10 submissions from 10 submitters: Pathogenic (1). 9 of the submissions do not count toward it. Last evaluated 2026-09-21.

Conditions:
BRCA1-related cancer predisposition. Identifiers: MedGen CN377757, MONDO:0700268.
Hereditary cancer-predisposing syndrome. Also called: Hereditary Cancer Syndrome; Tumor predisposition; Neoplastic Syndromes, Hereditary; Hereditary neoplastic syndrome. Identifiers: Orphanet 140162, MedGen C0027672, MeSH D009386, MONDO:0015356.
Hereditary breast ovarian cancer syndrome. Also called: Breast and ovarian cancer; BRCA1- and BRCA2-Associated Hereditary Breast and Ovarian Cancer; Hereditary breast and ovarian cancer; Hereditary breast and ovarian cancer syndrome (HBOC); Hereditary breast and ovarian cancer syndrome; Hereditary breast and/or ovarian cancer syndrome. Identifiers: Orphanet 145, MedGen C0677776, MeSH D061325, MONDO:0003582. Disease mechanism: loss of function.
Breast-ovarian cancer, familial, susceptibility to, 1 (BROVCA1). Also called: BRCA1 Hereditary Breast and Ovarian Cancer; OVARIAN CANCER, SUSCEPTIBILITY TO. Identifiers: Orphanet 145, MedGen C2676676, MONDO:0011450, OMIM 604370. Disease mechanism: loss of function.
Familial cancer of breast. Also called: BREAST CANCER, FAMILIAL; hereditary breast carcinoma; Hereditary breast cancer. Identifiers: Orphanet 227535, MedGen C0346153, MONDO:0016419, OMIM 114480. Disease mechanism: loss of function.

Submissions 1 to 6 of 11:

ClinGen ENIGMA BRCA1 and BRCA2 Variant Curation Expert Panel, ClinGen
Classification: Pathogenic for BRCA1-related cancer predisposition. Last evaluated: 2026-09-21. Review status: reviewed by expert panel. Criteria: CSpec BRCA1/2ACMG Rules Specifications V1.2. Collection method: curation. Allele origin: germline. Inheritance: Autosomal dominant inheritance.
Comment: The c.5333-6T>G variant is an intronic variant occurring in intron 20(21) of the BRCA1 gene. This variant is absent from gnomAD v4.1 (read depth ≥25x in >90% samples, PM2_Supporting met). Intronic variant, functional data considered only from assays that measure effect via mRNA and protein. Reported by one calibrated study incorporating mRNA splicing effects to exhibit protein function similar to pathogenic control variants (PMID:30209399) (PS3 met). This BRCA1 intronic variant is located outside of the native donor and acceptor 1,2 splice sites, and has a SpliceAI score of 0.79, predicting an impact on splicing (score threshold ≥0.2) (PP3 not applied because a PVS1 (RNA) code is met). This variant is reported to result in aberrant mRNA splicing. RT-PCR demonstrated that the variant impacts splicing by skipping of exon 21(22). The percent reference (full-length, FL) and aberrant transcripts produced from the variant allele could not be determined (PMID: 11802209). RT-PCRseq confirms the exon skipping and the percent of aberrant transcripts produced was >45%, using a non-allele specific quantitative assessment with sequence analysis. (Ambry internal data). The VCEP estimate less than 5% full-length transcript is produced by the variant allele. Appropriate code strength determined by comparison of results to PVS1 decision tree, PVS1 (RNA). Multifactorial likelihood ratio analysis using clinically calibrated data produced a combined LR for this variant of 2.55 (based on Cosegregation LR=0.69; Pathology LR=3.73), within the thresholds for supporting evidence towards pathogenicity (LR >2.08 & ≤4.3) (PP4 met; Internal lab contributor). In summary, this variant meets the criteria to be classified as a Pathogenic variant for BRCA1-related cancer predisposition based on the ACMG/AMP criteria applied as specified by the ENIGMA BRCA1/2 VCEP (PM2_Supporting, PS3, PP4, PVS1 (RNA)).

Ambry Genetics
Classification: Pathogenic for Hereditary cancer-predisposing syndrome. Last evaluated: 2025-09-15. Review status: criteria provided, single submitter. Criteria: Ambry Variant Classification Scheme 2023. Collection method: clinical testing. Allele origin: germline. Not counted in ClinVar's aggregate classification.
Comment: The c.5333-6T>G intronic pathogenic mutation results from a T to G substitution 6 nucleotides upstream from coding exon 20 in the BRCA1 gene. This nucleotide position is well conserved in available vertebrate species. RNA studies have demonstrated that this alteration results in abnormal splicing in the set of samples tested (Ambry internal data; Meindl A et al. Int. J. Cancer. 2002 Feb;97:472-80). One study found that this nucleotide substitution is non-functional in a high throughput genome editing haploid cell survival assay (Findlay GM et al. Nature. 2018 10;562:217-222). In addition, was called likely pathogenic based on multifactorial likelihood analysis (Parsons MT et al. Hum. Mutat. 2019 09;40:1557-1578). In silico splice site analysis predicts that this alteration may weaken the native splice acceptor site and will result in the creation or strengthening of a novel splice acceptor site. This variant is considered to be rare based on population cohorts in the Genome Aggregation Database (gnomAD). Based on the supporting evidence, this alteration is interpreted as a disease-causing mutation.

Labcorp Genetics (formerly Invitae), Labcorp
Classification: Likely pathogenic for Hereditary breast ovarian cancer syndrome. Last evaluated: 2025-09-10. Review status: criteria provided, single submitter. Criteria: Invitae Variant Classification Sherloc (09022015). Collection method: clinical testing. Allele origin: germline. Not counted in ClinVar's aggregate classification.
Comment: This sequence change falls in intron 20 of the BRCA1 gene. It does not directly change the encoded amino acid sequence of the BRCA1 protein. RNA analysis indicates that this variant induces altered splicing and likely disrupts the C-terminus of the protein. This variant is not present in population databases (gnomAD no frequency). This variant has been observed in individual(s) with a personal and/or family history of breast and ovarian cancer (PMID: 11802209). This variant is also known as IVS21-6T>G. ClinVar contains an entry for this variant (Variation ID: 55538). Algorithms developed to predict the effect of variants on gene product structure and function are not available or were not evaluated for this variant. Experimental studies have shown that this variant affects BRCA1 function (PMID: 30209399). Studies have shown that this variant results in skipping of exon 21 and introduces a new termination codon (internal data). However the mRNA is not expected to undergo nonsense-mediated decay. In summary, the currently available evidence indicates that the variant is pathogenic, but additional data are needed to prove that conclusively. Therefore, this variant has been classified as Likely Pathogenic.

Mayo Clinic Laboratories, Mayo Clinic
Classification: Likely pathogenic. Last evaluated: 2024-06-13. Review status: criteria provided, single submitter. Criteria: ACMG Guidelines, 2015. Collection method: clinical testing. Allele origin: germline. Observed: 1 variant allele. Not counted in ClinVar's aggregate classification.
Comment: PP4, PM2, PS3

Quest Diagnostics Nichols Institute San Juan Capistrano
Classification: Uncertain significance. Last evaluated: 2024-02-28. Review status: criteria provided, single submitter. Criteria: Quest Diagnostics criteria. Collection method: clinical testing. Allele origin: unknown. Not counted in ClinVar's aggregate classification.
Comment: The BRCA1 c.5333-6T>G variant has been reported in the published literature in an individual with a personal and/or family history of breast and ovarian cancer (PMID: 11802209 (2002)). It was also reported to result in exon 22 skipping (PMID: 31131967 (2019)), as well as being non-functional using a saturation genome editing assay (PMID: 30209399 (2018)). This variant has not been reported in large, multi-ethnic general populations (Genome Aggregation Database). Analysis of this variant using software algorithms for the prediction of the effect of nucleotide changes on splicing yielded predictions that this variant may affect proper BRCA1 mRNA splicing (Alamut Visual. Based on the available information, we are unable to determine the clinical significance of this variant.

All of Us Research Program, National Institutes of Health
Classification: Likely pathogenic for Breast-ovarian cancer, familial, susceptibility to, 1. Last evaluated: 2024-01-08. Review status: criteria provided, single submitter. Criteria: ACMG Guidelines, 2015. Collection method: clinical testing. Allele origin: germline. Inheritance: Autosomal dominant inheritance. Observed: 1 variant allele, 1 heterozygote. Not counted in ClinVar's aggregate classification.
Comment: This variant causes a T to G nucleotide substitution at the -6 position of intron 20 of the BRCA1 gene. Splice site prediction tools predict that this variant may have a significant impact on RNA splicing. An RNA study has reported that this variant causes the out-of-frame skipping of exon 21 (PMID: 11802209) and this variant also has been reported in ClinVar to cause abnormal splicing (SCV002646843.1). A functional assay that required proper splicing for the measured activity has reported that this variant impacts BRCA1 function in a haploid cell proliferation assay (PMID: 30209399). Since this variant does not directly impact the coding sequence, the splicing prediction, RNA data and functional data could be interpreted together as evidence for a significant disruption in RNA processing. A multifactorial analysis has reported likelihood ratios for pathogenicity based on segregation and tumor pathology of 0.6846 and 3.73, respectively (PMID: 31131967). This variant has not been identified in the general population by the Genome Aggregation Database (gnomAD). Loss of BRCA1 function is a known mechanism of disease. Based on the available evidence, this variant is classified as Likely Pathogenic.

This study involves interpretation of variants in research participants for the purpose of population health screening. Participant phenotype was not available at the time of variant classification. Additional details can be found in publication PMID: 35346344, PMCID: PMC8962531